The following is an entry in ClinVar:

ClinVar aggregate classification (germline): Uncertain significance. Review status: criteria provided, multiple submitters, no conflicts (2 of 4 stars). 5 submissions from 5 submitters: Uncertain significance (5). Last evaluated 2025-07-22.

Conditions:
Early-onset myopathy with fatal cardiomyopathy (CMYO5). Also called: Salih Myopathy; CONGENITAL MYOPATHY 5 WITH CARDIOMYOPATHY. Identifiers: Orphanet 289377, MedGen C2673677, MONDO:0012714, OMIM 611705. Disease mechanism: loss of function.
Cardiovascular phenotype. Identifiers: MedGen CN230736.
Dilated cardiomyopathy 1G (CMD1G). Identifiers: Orphanet 154, MedGen C1858763, MONDO:0011400, OMIM 604145.

Submissions (5):

Human Genetics Bochum, Ruhr University Bochum
Classification: Uncertain significance for Dilated cardiomyopathy 1G. Last evaluated: 2025-07-22. Review status: criteria provided, single submitter. Criteria: ACMG Guidelines, 2015. Collection method: clinical testing. Allele origin: germline. Affected: yes.
Comment: ACMG criteria used to clasify this variant: PM4, PM2_SUP

Blueprint Genetics
Classification: Uncertain significance. Last evaluated: 2024-03-28. Review status: criteria provided, single submitter. Criteria: ACMG Guidelines, 2015. Collection method: clinical testing. Allele origin: germline.

Ambry Genetics
Classification: Uncertain significance for Cardiovascular phenotype. Last evaluated: 2022-12-07. Review status: criteria provided, single submitter. Criteria: Ambry Variant Classification Scheme 2023. Collection method: clinical testing. Allele origin: germline.
Comment: The c.47565_47572delCTCCAGGGinsAC variant, located in coding exon 153 of the TTN gene, results from an in-frame deletion of CTCCAGGG and insertion of AC at nucleotide positions 47565 to 47572. This results in the substitution of the residue for a histidine residue at codon 15856, an amino acid with highly similar properties. This amino acid region is not well conserved in available vertebrate species. In addition, this alteration is predicted to be deleterious by in silico analysis (Choi Y et al. PLoS ONE. 2012; 7(10):e46688). Since supporting evidence is limited at this time, the clinical significance of this alteration remains unclear.

Clinical Genetics Laboratory, Skane University Hospital Lund
Classification: Uncertain significance. Last evaluated: 2022-05-27. Review status: criteria provided, single submitter. Criteria: ACMG Guidelines, 2015. Collection method: clinical testing. Allele origin: germline. Affected: yes.

Equipe Genetique des Anomalies du Developpement, Université de Bourgogne
Classification: Uncertain significance for Early-onset myopathy with fatal cardiomyopathy. Review status: criteria provided, single submitter. Criteria: ACMG Guidelines, 2015. Collection method: clinical testing. Allele origin: maternal. Affected: yes.

Literature cited by the submitters: PubMed 34782754 (cited by Equipe Genetique des Anomalies du Developpement, Université de Bourgogne).

NM_001267550.2(TTN):c.74760_74767delinsAC (p.Ser24921_Asp24923delinsHis)

Genes: TTN (titin; minus strand), TTN-AS1 (TTN antisense RNA 1; plus strand). Cytogenetic location: 2q31.2.
Variant type: Indel.
Coding change: c.74760_74767delinsAC on transcript NM_001267550.2 (MANE Select); coding-DNA positions 74760 to 74767, CTCCAGGG replaced by AC.
Protein change: p.Ser24921_Asp24923delinsHis.
Molecular consequence: inframe indel. On other transcripts: non-coding transcript variant (1).
Genome position (GRCh38, 1-based): chr2:178,571,365-178,571,372, CCCTGGAG replaced by GT on the plus strand (CTCCAGGG replaced by AC on the coding strand, the reverse complement: TTN is on the minus strand). VCF-style: chr2-178571365-CCCTGGAG-GT. GRCh37 (hg19) VCF-style: chr2-179436092-CCCTGGAG-GT.
Other names: c.69837_69844delinsAC, p.Ser23280_Asp23282delinsHis (NM_001256850.1); c.47565_47572delinsAC, p.Ser15856_Asp15858delinsHis (NM_003319.4); c.67056_67063delinsAC, p.Ser22353_Asp22355delinsHis (NM_133378.4); c.47940_47947delinsAC, p.Ser15981_Asp15983delinsHis (NM_133432.3); c.48141_48148delinsAC, p.Ser16048_Asp16050delinsHis (NM_133437.4); c.47565_47572delCTCCAGGGinsAC (NM_003319.4); c.74760_74767delinsAC (LRG_391t1, NM_001267550.1).
Identifiers: ClinVar variation 1050815 (VCV001050815.7), dbSNP rs2154169263, ClinGen allele CA2499215360.